The following is an entry in ClinVar:

ClinVar aggregate classification (germline): Uncertain significance. Review status: criteria provided, multiple submitters, no conflicts (2 of 4 stars). 2 submissions from 2 submitters: Uncertain significance (2). Last evaluated 2021-09-17.

Conditions:
Heterotaxy, visceral, 4, autosomal (HTX4). Identifiers: Orphanet 450, MedGen C3151057, MONDO:0013403, OMIM 613751.

Allele frequency attached by ClinVar (database versions not stated): ExAC 0.00001; gnomAD 0.00001; gnomAD exomes 0.00001; TOPMed 0.00001; 1000 Genomes Project 30x 0.00016.
gnomAD v4.1: 11 of 1,614,042 alleles (0.00068%); highest among the groups gnomAD compares: Admixed American, 0.0033%; no homozygotes.

Submissions (2):

Ambry Genetics
Classification: Uncertain significance. Last evaluated: 2021-09-17. Review status: criteria provided, single submitter. Criteria: Ambry Variant Classification Scheme 2023. Collection method: clinical testing. Allele origin: germline.

Labcorp Genetics (formerly Invitae), Labcorp
Classification: Uncertain significance for Heterotaxy, visceral, 4, autosomal. Last evaluated: 2020-01-30. Review status: criteria provided, single submitter. Criteria: Invitae Variant Classification Sherloc (09022015). Collection method: clinical testing. Allele origin: germline.
Comment: In summary, the available evidence is currently insufficient to determine the role of this variant in disease. Therefore, it has been classified as a Variant of Uncertain Significance. Algorithms developed to predict the effect of sequence changes on RNA splicing suggest that this variant may create or strengthen a splice site, but this prediction has not been confirmed by published transcriptional studies. Algorithms developed to predict the effect of missense changes on protein structure and function (SIFT, PolyPhen-2, Align-GVGD) all suggest that this variant is likely to be tolerated, but these predictions have not been confirmed by published functional studies and their clinical significance is uncertain. This variant has not been reported in the literature in individuals with ACVR2B-related conditions. This variant is present in population databases (rs747041699, ExAC 0.001%). This sequence change replaces arginine with glutamine at codon 482 of the ACVR2B protein (p.Arg482Gln). The arginine residue is moderately conserved and there is a small physicochemical difference between arginine and glutamine.

NM_001106.4(ACVR2B):c.1445G>A (p.Arg482Gln)

Gene: ACVR2B (activin A receptor type 2B; plus strand). Cytogenetic location: 3p22.2.
Variant type: single nucleotide variant.
Coding change: c.1445G>A on transcript NM_001106.4 (MANE Select); coding-DNA position 1445, G replaced by A.
Protein change: p.Arg482Gln; replaces arginine 482 with glutamine.
Molecular consequence: missense variant.
Genome position (GRCh38, 1-based): chr3:38,483,238, G>A. VCF-style: chr3-38483238-G-A. GRCh37 (hg19) VCF-style: chr3-38524729-G-A.
Other names: c.1445G>A (NM_001106.3); short protein forms R482Q.
Identifiers: ClinVar variation 1039220 (VCV001039220.7), dbSNP rs747041699, ClinGen allele CA2319079.